The following is an entry in ClinVar:

ClinVar aggregate classification (germline): Pathogenic (1 of 4 stars; one submission).

Submission:

GeneDx
Classification: Pathogenic. Last evaluated: 2025-11-10. Review status: criteria provided, single submitter. Criteria: GeneDx Variant Classification Process June 2021. Collection method: clinical testing. Allele origin: germline.
Comment: Frameshift variant predicted to result in protein truncation or nonsense mediated decay in a gene for which loss of function is a known mechanism of disease; Not observed at significant frequency in large population cohorts (gnomAD); This variant is associated with the following publications: (PMID: 34087052)

NM_001759.4(CCND2):c.416_419dup (p.Leu141fs)

Gene: CCND2 (cyclin D2; plus strand). Cytogenetic location: 12p13.32.
Variant type: Duplication.
Coding change: c.416_419dup on transcript NM_001759.4 (MANE Select); coding-DNA positions 416 to 419, 4 bases duplicated (GGGA; older notation c.416_419dupGGGA).
Protein change: p.Leu141fs; shifts the reading frame from leucine 141.
Molecular consequence: frameshift variant.
Genome position (GRCh38, 1-based): chr12:4,278,764-4,278,767, GGGA duplicated. VCF-style (leftmost placement, unchanged base first): chr12-4278763-T-TGGGA. GRCh37 (hg19) VCF-style: chr12-4387929-T-TGGGA.
Other names: short protein forms L141fs.
Identifiers: ClinVar variation 4528281 (VCV004528281.2).